The following is an entry in ClinVar:

NM_198578.4(LRRK2):c.6101G>A (p.Gly2034Asp)

Gene: LRRK2 (leucine rich repeat kinase 2; plus strand). Cytogenetic location: 12q12.
Variant type: single nucleotide variant.
Coding change: c.6101G>A on transcript NM_198578.4 (MANE Select); coding-DNA position 6101, G replaced by A.
Protein change: p.Gly2034Asp; replaces glycine 2034 with aspartic acid.
Molecular consequence: missense variant.
Genome position (GRCh38, 1-based): chr12:40,340,446, G>A. VCF-style: chr12-40340446-G-A. GRCh37 (hg19) VCF-style: chr12-40734248-G-A.
Other names: short protein forms G2034D.
Identifiers: ClinVar variation 1751634 (VCV001751634.2), dbSNP rs2499948427, ClinGen allele CA384404185.

ClinVar aggregate classification (germline): Uncertain significance (1 of 4 stars; one submission).

Conditions:
Inborn genetic diseases. Identifiers: MedGen C0950123, MeSH D030342.

Submission:

Ambry Genetics
Classification: Uncertain significance for Inborn genetic diseases. Last evaluated: 2021-12-22. Review status: criteria provided, single submitter. Criteria: Ambry Variant Classification Scheme 2023. Collection method: clinical testing. Allele origin: germline.
Comment: The p.G2034D variant (also known as c.6101G>A), located in coding exon 41 of the LRRK2 gene, results from a G to A substitution at nucleotide position 6101. The glycine at codon 2034 is replaced by aspartic acid, an amino acid with similar properties. This amino acid position is conserved. In addition, this alteration is predicted to be deleterious by in silico analysis. Since supporting evidence is limited at this time, the clinical significance of this alteration remains unclear.